The following is an entry in ClinVar:

ClinVar aggregate classification (germline): Uncertain significance (1 of 4 stars; one submission).

Submission:

Ambry Genetics
Classification: Uncertain significance. Last evaluated: 2026-03-10. Review status: criteria provided, single submitter. Criteria: Ambry Variant Classification Scheme 2023. Collection method: clinical testing. Allele origin: germline.
Comment: The p.P852Q variant (also known as c.2555C>A), located in coding exon 11 of the WNK2 gene, results from a C to A substitution at nucleotide position 2555. The proline at codon 852 is replaced by glutamine, an amino acid with similar properties. This amino acid position is conserved. In addition, the in silico prediction for this alteration is inconclusive. Based on the available evidence, the clinical significance of this variant remains unclear.

NM_006648.4(WNK2):c.2555C>A (p.Pro852Gln)

Gene: WNK2 (WNK lysine deficient protein kinase 2; plus strand). Cytogenetic location: 9q22.31.
Variant type: single nucleotide variant.
Coding change: c.2555C>A on transcript NM_006648.4 (MANE Select); coding-DNA position 2555, C replaced by A.
Protein change: p.Pro852Gln; replaces proline 852 with glutamine.
Molecular consequence: missense variant.
Genome position (GRCh38, 1-based): chr9:93,259,103, C>A. VCF-style: chr9-93259103-C-A. GRCh37 (hg19) VCF-style: chr9-96021385-C-A.
Other names: c.2555C>A, p.Pro852Gln (NM_001282394.3); short protein forms P852Q.
Identifiers: ClinVar variation 4826249 (VCV004826249.1).